The following is an entry in ClinVar:

ClinVar aggregate classification (germline): Likely pathogenic (1 of 4 stars; one submission).

Conditions:
Hypertrophic cardiomyopathy 20. Identifiers: MedGen C3151267, MONDO:0013477, OMIM 613876.
Dilated cardiomyopathy 1CC (CMD1CC). Identifiers: Orphanet 154, MedGen C2751084, MONDO:0013147, OMIM 613122.

Submission:

Labcorp Genetics (formerly Invitae), Labcorp
Classification: Likely pathogenic for Dilated cardiomyopathy 1CC; Hypertrophic cardiomyopathy 20. Last evaluated: 2026-01-15. Review status: criteria provided, single submitter. Criteria: Invitae Variant Classification Sherloc (09022015). Collection method: clinical testing. Allele origin: germline.
Comment: This variant results in the deletion of part of exon 9 (c.865-9_892del) of the NEXN gene. It is expected to disrupt RNA splicing. Variants that disrupt the donor or acceptor splice site typically lead to a loss of protein function (PMID: 16199547), and loss-of-function variants in NEXN are known to be pathogenic (PMID: 19881492, 32058062, 32814711, 32870709, 33949776, 38059363, 40680702). This variant is not present in population databases (gnomAD no frequency). This variant has not been reported in the literature in individuals affected with NEXN-related conditions. ClinVar contains an entry for this variant (Variation ID: 2929334). In summary, the currently available evidence indicates that the variant is pathogenic, but additional data are needed to prove that conclusively. Therefore, this variant has been classified as Likely Pathogenic.

Literature cited by the submitters: PubMed 16199547; PubMed 19881492; PubMed 32058062; PubMed 32814711; PubMed 32870709; PubMed 33949776; PubMed 38059363; PubMed 40680702.

NM_144573.4(NEXN):c.865-9_892del

Gene: NEXN (nexilin F-actin binding protein; plus strand). Cytogenetic location: 1p31.1.
Variant type: Deletion.
Coding change: c.865-9_892del on transcript NM_144573.4 (MANE Select); 9 bases into the intron before coding-DNA position 865 through coding-DNA position 892, 37 bases deleted.
Molecular consequence: splice acceptor variant.
Genome position (GRCh38, 1-based): chr1:77,929,307-77,929,343, 37 bases deleted; deleting any 37 consecutive bases within chr1:77,929,306-77,929,343 gives the same sequence; the c. name uses the placement nearest the transcript's 3' end. GRCh37 (hg19): chr1:78,394,992-78,395,028.
Other names: c.673-9_700del (NM_001172309.2).
Identifiers: ClinVar variation 2929334 (VCV002929334.3), dbSNP rs2523223119, ClinGen allele CA2740090536.